The following is an entry in ClinVar:

NM_000381.4(MID1):c.799G>A (p.Asp267Asn)

Gene: MID1 (midline 1; minus strand). Cytogenetic location: Xp22.2.
Variant type: single nucleotide variant.
Coding change: c.799G>A on transcript NM_000381.4 (MANE Select); coding-DNA position 799, G replaced by A.
Protein change: p.Asp267Asn; replaces aspartic acid 267 with asparagine.
Molecular consequence: missense variant.
Genome position (GRCh38, 1-based): chrX:10,495,649, C>T on the plus strand (G>A on the coding strand, the complement: MID1 is on the minus strand). VCF-style: chrX-10495649-C-T. GRCh37 (hg19) VCF-style: chrX-10463689-C-T.
Other names: c.799G>A, p.Asp267Asn (NM_001098624.2, NM_001193277.1, NM_001193279.1 and 2 more transcripts); c.952G>A, p.Asp318Asn (NM_001193278.1); c.685G>A, p.Asp229Asn (NM_001193280.1, NM_033289.2); short protein forms D229N, D267N, D318N.
Identifiers: ClinVar variation 2895762 (VCV002895762.3), dbSNP rs2519039598, ClinGen allele CA412047766.

ClinVar aggregate classification (germline): Uncertain significance (1 of 4 stars; one submission).

Submission:

Labcorp Genetics (formerly Invitae), Labcorp
Classification: Uncertain significance. Last evaluated: 2022-11-19. Review status: criteria provided, single submitter. Criteria: Invitae Variant Classification Sherloc (09022015). Collection method: clinical testing. Allele origin: germline.
Comment: In summary, the available evidence is currently insufficient to determine the role of this variant in disease. Therefore, it has been classified as a Variant of Uncertain Significance. Advanced modeling of protein sequence and biophysical properties (such as structural, functional, and spatial information, amino acid conservation, physicochemical variation, residue mobility, and thermodynamic stability) performed at Invitae indicates that this missense variant is not expected to disrupt MID1 protein function. This variant has not been reported in the literature in individuals affected with MID1-related conditions. This variant is not present in population databases (gnomAD no frequency). This sequence change replaces aspartic acid, which is acidic and polar, with asparagine, which is neutral and polar, at codon 267 of the MID1 protein (p.Asp267Asn).